The following is an entry in ClinVar:

ClinVar aggregate classification (germline): Uncertain significance. Review status: criteria provided, multiple submitters, no conflicts (2 of 4 stars). 3 submissions from 3 submitters: Uncertain significance (3). Last evaluated 2025-12-15.

Conditions:
Primary ciliary dyskinesia 19. Also called: CILIARY DYSKINESIA, PRIMARY, 19, WITH OR WITHOUT SITUS INVERSUS. Identifiers: Orphanet 244, MedGen C3543826, MONDO:0013979, OMIM 614935.
Primary ciliary dyskinesia. Also called: Ciliary dyskinesia. Identifiers: Orphanet 244, MedGen C0008780, MONDO:0016575, HP:0012265.

Allele frequency attached by ClinVar (database versions not stated): gnomAD exomes below 0.00001 and 0.00002; TOPMed below 0.00001; ExAC 0.00001; gnomAD 0.00001.
gnomAD v4.1: 27 of 1,613,940 alleles (0.0017%); highest among the groups gnomAD compares: Non-Finnish European, 0.0022%; no homozygotes.

Submissions (3):

Labcorp Genetics (formerly Invitae), Labcorp
Classification: Uncertain significance for Primary ciliary dyskinesia 19. Last evaluated: 2025-12-15. Review status: criteria provided, single submitter. Criteria: Invitae Variant Classification Sherloc (09022015). Collection method: clinical testing. Allele origin: germline.
Comment: This sequence change replaces aspartic acid, which is acidic and polar, with asparagine, which is neutral and polar, at codon 17 of the LRRC6 protein (p.Asp17Asn). This variant is present in population databases (no rsID available, gnomAD 0.0009%). This variant has not been reported in the literature in individuals affected with LRRC6-related conditions. ClinVar contains an entry for this variant (Variation ID: 909004). Invitae Evidence Modeling of protein sequence and biophysical properties (such as structural, functional, and spatial information, amino acid conservation, physicochemical variation, residue mobility, and thermodynamic stability) indicates that this missense variant is not expected to disrupt LRRC6 protein function with a negative predictive value of 80%. In summary, the available evidence is currently insufficient to determine the role of this variant in disease. Therefore, it has been classified as a Variant of Uncertain Significance.

Ambry Genetics
Classification: Uncertain significance for Primary ciliary dyskinesia. Last evaluated: 2022-11-10. Review status: criteria provided, single submitter. Criteria: Ambry Variant Classification Scheme 2023. Collection method: clinical testing. Allele origin: germline.

Illumina Laboratory Services, Illumina
Classification: Uncertain significance for Primary ciliary dyskinesia 19. Last evaluated: 2018-01-12. Review status: criteria provided, single submitter. Criteria: ICSL Variant Classification Criteria 13 December 2019. Collection method: clinical testing. Allele origin: germline.

NM_012472.6(DNAAF11):c.49G>A (p.Asp17Asn)

Gene: DNAAF11 (dynein axonemal assembly factor 11; minus strand). Cytogenetic location: 8q24.22.
Variant type: single nucleotide variant.
Coding change: c.49G>A on transcript NM_012472.6 (MANE Select); coding-DNA position 49, G replaced by A.
Protein change: p.Asp17Asn; replaces aspartic acid 17 with asparagine.
Molecular consequence: missense variant. On other transcripts: 5 prime UTR variant (4), non-coding transcript variant (7), intron variant (1).
Genome position (GRCh38, 1-based): chr8:132,661,589, C>T on the plus strand (G>A on the coding strand, the complement: DNAAF11 is on the minus strand). VCF-style: chr8-132661589-C-T. GRCh37 (hg19) VCF-style: chr8-133673835-C-T.
Other names: c.49G>A, p.Asp17Asn (NM_001321961.2); c.-312G>A (NM_001321963.2, NM_001321964.2, NM_001321966.2); c.-625G>A (NM_001321965.2); c.10+13895G>A (NM_001321962.2); short protein forms D17N.
Identifiers: ClinVar variation 909004 (VCV000909004.7), dbSNP rs911389891, ClinGen allele CA4881481.